The following is an entry in ClinVar:

ClinVar aggregate classification (germline): Uncertain significance. Review status: criteria provided, multiple submitters, no conflicts (2 of 4 stars). 3 submissions from 3 submitters: Uncertain significance (3). Last evaluated 2024-02-08.

Conditions:
Inborn genetic diseases. Identifiers: MedGen C0950123, MeSH D030342.

Allele frequency attached by ClinVar (database versions not stated): gnomAD 0.00001; gnomAD exomes 0.00001; TOPMed 0.00002; 1000 Genomes Project 30x 0.00016; 1000 Genomes Project 0.00020.
gnomAD v4.1: 26 of 1,614,094 alleles (0.0016%); highest among the groups gnomAD compares: East Asian, 0.016%; no homozygotes.

Submissions (3):

Labcorp Genetics (formerly Invitae), Labcorp
Classification: Uncertain significance. Last evaluated: 2024-02-08. Review status: criteria provided, single submitter. Criteria: Invitae Variant Classification Sherloc (09022015). Collection method: clinical testing. Allele origin: germline.
Comment: This sequence change replaces arginine, which is basic and polar, with glutamine, which is neutral and polar, at codon 1924 of the SPTB protein (p.Arg1924Gln). This variant is not present in population databases (gnomAD no frequency). This variant has not been reported in the literature in individuals affected with SPTB-related conditions. ClinVar contains an entry for this variant (Variation ID: 2527574). An algorithm developed to predict the effect of missense changes on protein structure and function (PolyPhen-2) suggests that this variant is likely to be tolerated. In summary, the available evidence is currently insufficient to determine the role of this variant in disease. Therefore, it has been classified as a Variant of Uncertain Significance.

Revvity Omics, Revvity
Classification: Uncertain significance. Last evaluated: 2023-05-18. Review status: criteria provided, single submitter. Criteria: ACMG Guidelines, 2015. Collection method: clinical testing. Allele origin: germline.

Ambry Genetics
Classification: Uncertain significance for Inborn genetic diseases. Last evaluated: 2023-03-21. Review status: criteria provided, single submitter. Criteria: Ambry Variant Classification Scheme 2023. Collection method: clinical testing. Allele origin: germline.

NM_001355436.2(SPTB):c.5771G>A (p.Arg1924Gln)

Gene: SPTB (spectrin beta, erythrocytic; minus strand). Cytogenetic location: 14q23.3.
Variant type: single nucleotide variant.
Coding change: c.5771G>A on transcript NM_001355436.2 (MANE Select); coding-DNA position 5771, G replaced by A.
Protein change: p.Arg1924Gln; replaces arginine 1924 with glutamine.
Molecular consequence: missense variant.
Genome position (GRCh38, 1-based): chr14:64,770,912, C>T on the plus strand (G>A on the coding strand, the complement: SPTB is on the minus strand). VCF-style: chr14-64770912-C-T. GRCh37 (hg19) VCF-style: chr14-65237630-C-T.
Other names: NM_000347.5:c.5771G>A; c.5771G>A, p.Arg1924Gln (NM_001024858.4, NM_001355437.2); short protein forms R1924Q.
Identifiers: ClinVar variation 2527574 (VCV002527574.6), dbSNP rs182057003, ClinGen allele CA262686717.